The following is an entry in ClinVar:

ClinVar aggregate classification (germline): Pathogenic. Review status: reviewed by expert panel (3 of 4 stars). 20 submissions from 20 submitters: Pathogenic (1). 19 of the submissions do not count toward it. Last evaluated 2023-09-15.

Conditions:
Inherited breast cancer and ovarian cancer.
ATM-related cancer predisposition. Also called: ATM-related cancer susceptibility. Identifiers: MedGen CN377759, MONDO:0700270.
ATM-related disorder. Also called: ATM-related disorders; ATM-related condition.
Familial cancer of breast. Also called: hereditary breast carcinoma; BREAST CANCER, FAMILIAL; Hereditary breast cancer. Identifiers: Orphanet 227535, MedGen C0346153, MONDO:0016419, OMIM 114480. Disease mechanism: loss of function.
Ataxia-telangiectasia syndrome (AT). Also called: ATAXIA-TELANGIECTASIA, COMPLEMENTATION GROUP A; ATAXIA-TELANGIECTASIA, FRESNO VARIANT; Ataxia-telangiectasia; Ataxia telangiectasia (A-T); Cerebello-oculocutaneous telangiectasia; Immunodeficiency with ataxia telangiectasia. Identifiers: Orphanet 100, MedGen C0004135, MONDO:0008840, OMIM 208900.
Breast and/or ovarian cancer. Identifiers: MedGen CN221562.
Hereditary cancer-predisposing syndrome. Also called: Hereditary neoplastic syndrome; Tumor predisposition; Neoplastic Syndromes, Hereditary; Hereditary Cancer Syndrome. Identifiers: Orphanet 140162, MedGen C0027672, MeSH D009386, MONDO:0015356.

Allele frequency attached by ClinVar (database versions not stated): TOPMed 0.00001; gnomAD exomes 0.00002 and 0.00001; ExAC 0.00001; gnomAD 0.00001.

Submissions 1 to 10 of 20:

ClinGen Hereditary Breast, Ovarian and Pancreatic Cancer Variant Curation Expert Panel, ClinGen
Classification: Pathogenic for ATM-related cancer predisposition. Last evaluated: 2023-09-15. Review status: reviewed by expert panel. Criteria: clingen hbop acmg specifications atm v1-1. Collection method: curation. Allele origin: germline. Inheritance: Autosomal dominant inheritance.
Comment: The c.5290del (p.Leu1764TyrfsTer12) variant in ATM is a frameshift variant predicted to cause a premature stop codon in a biologically-relevant-exon leading to nonsense mediated decay in a gene in which loss-of-function is an established disease mechanism. This alteration results in a termination codon upstream of the most C-terminus pathogenic alteration (ATM p.Arg3047*), as classified by the HBOP VCEP, and is expected to be more deleterious. This variant has been detected in at least four individuals with Ataxia-Telangiectasia (PMIDs: 22649200, 10425038, 12552559, 18634022, 15928302, 10330348, 18634022, 26896183). The highest population minor allele frequency in gnomAD v2.1.1 is 0.00001763 in the non-Finnish European population (PM2_Supporting, BS1, and BA1 are not met). In summary, this variant meets criteria to be classified as pathogenic for autosomal dominant hereditary breast cancer and autosomal recessive Ataxia-Telangiectasia based on the ACMG/AMP criteria applied, as specified by the HBOP VCEP. (PVS1, PM3_Strong, PM5_Supporting)

Cambridge Genomics Laboratory, East Genomic Laboratory Hub, NHS Genomic Medicine Service
Classification: Pathogenic for Inherited breast cancer and ovarian cancer. Last evaluated: 2026-04-07. Review status: criteria provided, single submitter. Criteria: ACGS Best Practice Guidelines for Variant Classification in Rare Disease 2020. Collection method: clinical testing. Allele origin: germline. Affected: yes. Not counted in ClinVar's aggregate classification.
Comment: PVS1,PM3,PM5_Supporting

Institute for Biomarker Research, Medical Diagnostic Laboratories, L.L.C.
Classification: Pathogenic for Hereditary cancer-predisposing syndrome. Last evaluated: 2026-02-02. Review status: criteria provided, single submitter. Criteria: ACMG Guidelines, 2015. Collection method: clinical testing. Allele origin: germline. Not counted in ClinVar's aggregate classification.
Comment: The frameshift deletion NM_000051.4(ATM):c.5290delC (p.Leu1764Tyrfs*12) has been reported to ClinVar as Pathogenic with a status of (3 stars) reviewed by expert panel (Accession: VCV000127405.38). TThis variant is predicted to cause loss of normal protein function through protein truncation caused a frameshift mutation. This variant is a frameshift variant which occurs in an exon of ATM upstream of where nonsense mediated decay is predicted to occur. This variant has been previously classified as pathogenic, indicating that the region is critical to protein function.The p.Leu1764Tyrfs*12 variant is a loss of function variant in the gene ATM, which is intolerant of Loss of Function variants, as indicated by the presence of existing pathogenic loss of function variant NP_000042.3:p.M1L and 2895 others. For these reasons, this variant has been classified as Pathogenic

Labcorp Genetics (formerly Invitae), Labcorp
Classification: Pathogenic for Ataxia-telangiectasia syndrome. Last evaluated: 2026-01-19. Review status: criteria provided, single submitter. Criteria: Invitae Variant Classification Sherloc (09022015). Collection method: clinical testing. Allele origin: germline. Not counted in ClinVar's aggregate classification.
Comment: This sequence change creates a premature translational stop signal (p.Leu1764Tyrfs*12) in the ATM gene. It is expected to result in an absent or disrupted protein product. Loss-of-function variants in ATM are known to be pathogenic (PMID: 23807571, 25614872). The frequency data for this variant in the population databases is considered unreliable, as metrics indicate poor data quality at this position in the gnomAD database. This premature translational stop signal has been observed in individual(s) with ataxia-telangiectasia and breast cancer (PMID: 10330348, 10425038, 12552559, 16832357, 22649200, 26681312). ClinVar contains an entry for this variant (Variation ID: 127405). For these reasons, this variant has been classified as Pathogenic.

GeneDx
Classification: Pathogenic. Last evaluated: 2024-12-11. Review status: criteria provided, single submitter. Criteria: GeneDx Variant Classification Process June 2021. Collection method: clinical testing. Allele origin: germline. Affected: yes. Not counted in ClinVar's aggregate classification.
Comment: Frameshift variant predicted to result in protein truncation or nonsense mediated decay in a gene for which loss-of-function is a known mechanism of disease; Not observed at significant frequency in large population cohorts (gnomAD); Truncating variants in this gene are considered pathogenic by a well-established clinical consortium and/or database; Observed in individuals with breast and/or ovarian and other cancers (PMID: 16832357, 28779002, 27153395, 26689913); Observed in individuals with ataxia telangiectasia (PMID: 26896183, 10330348, 12552559, 12072877, 10425038); This variant is associated with the following publications: (PMID: 10330348, 30197789, 29625052, 12552559, 9887333, 12072877, 16832357, 10425038, 26681312, 27153395, 24763289, 18634022, 20346647, 26689913, 28152038, 28843361, 28779002, 26896183, 32866655, 36451132, 35626031)

Ambry Genetics
Classification: Pathogenic for Hereditary cancer-predisposing syndrome. Last evaluated: 2024-11-27. Review status: criteria provided, single submitter. Criteria: Ambry Variant Classification Scheme 2023. Collection method: clinical testing. Allele origin: germline. Not counted in ClinVar's aggregate classification.
Comment: The c.5290delC pathogenic mutation, located in coding exon 34 of the ATM gene, results from a deletion of one nucleotide at nucleotide position 5290, causing a translational frameshift with a predicted alternate stop codon (p.L1764Yfs*12). This alteration has been detected in an ataxia-telangiectasia (A-T) cell line and in individuals with A-T (Teraoka SN et al. Am. J. Hum. Genet. 1999 Jun;64:1617-31; Sun X et al. J. Pediatr. 2002 Jun;140:724-31; Thompson D et al. J. Natl. Cancer Inst. 2005 Jun;97:813-22; Carney EF et al. J Immunol, 2012 Jul;189:261-8). This alteration has also been reported in multiple breast and/or ovarian cancer families (Renwick A et al. Nat Genet, 2006 Aug;38:873-5; Maxwell KN et al. Am J Hum Genet, 2016 May;98:801-817; Decker B et al. J Med Genet, 2017 11;54:732-741). In one study, this variant was reported in 2/60,466 breast cancer cases and in 1/53,461 controls (Dorling et al. N Engl J Med. 2021 02;384:428-439). In addition to the clinical data presented in the literature, this alteration is expected to result in loss of function by premature protein truncation or nonsense-mediated mRNA decay. As such, this alteration is interpreted as a disease-causing mutation.

Color Diagnostics, LLC DBA Color Health
Classification: Pathogenic for Hereditary cancer-predisposing syndrome. Last evaluated: 2024-08-06. Review status: criteria provided, single submitter. Criteria: ACMG Guidelines, 2015. Collection method: clinical testing. Allele origin: germline. Not counted in ClinVar's aggregate classification.
Comment: This variant deletes 1 nucleotide in exon 35 of the ATM gene, creating a frameshift and premature translation stop signal. This variant is expected to result in an absent or non-functional protein product. This variant has been reported in individuals affected with ataxia-telangiectasia (PMID: 10330348, 10425038, 12552559, 18634022, 22649200). This variant has also been reported in individuals affected with breast cancer (PMID: 16832357, 19781682, 26681312, 28779002) and lung cancer (PMID: 28843361). In a large international case-control study, this variant was reported in 2/60466 breast cancer cases and 1/53461 unaffected controls (PMID: 33471991). This variant has been identified in 2/251112 chromosomes in the general population by the Genome Aggregation Database (gnomAD). Loss of ATM function is a known mechanism of disease. Based on the available evidence, this variant is classified as Pathogenic.

Baylor Genetics
Classification: Pathogenic for Familial cancer of breast. Last evaluated: 2024-03-28. Review status: criteria provided, single submitter. Criteria: ACMG Guidelines, 2015. Collection method: clinical testing. Allele origin: unknown. Not counted in ClinVar's aggregate classification.

Myriad Genetics, Inc.
Classification: Pathogenic for Familial cancer of breast. Last evaluated: 2024-01-25. Review status: criteria provided, single submitter. Criteria: Myriad Autosomal Dominant, Autosomal Recessive and X-Linked Classification Criteria (2023). Collection method: clinical testing. Allele origin: unknown. Not counted in ClinVar's aggregate classification.
Comment: This variant is considered pathogenic. This variant creates a frameshift predicted to result in premature protein truncation.

Fulgent Genetics
Classification: Pathogenic for Familial cancer of breast; Ataxia-telangiectasia syndrome. Last evaluated: 2024-01-23. Review status: criteria provided, single submitter. Criteria: ACMG Guidelines, 2015. Collection method: clinical testing. Allele origin: germline. Not counted in ClinVar's aggregate classification.

NM_000051.4(ATM):c.5290del (p.Leu1764fs)

Gene: ATM (ATM serine/threonine kinase; plus strand). Cytogenetic location: 11q22.3.
Variant type: Deletion.
Coding change: c.5290del on transcript NM_000051.4 (MANE Select); coding-DNA position 5290, one base deleted (C; older notation c.5290delC).
Protein change: p.Leu1764fs; shifts the reading frame from leucine 1764.
Molecular consequence: frameshift variant.
Genome position (GRCh38, 1-based): chr11:108,301,760, C deleted. VCF-style (leftmost placement, unchanged base first): chr11-108301759-TC-T. GRCh37 (hg19) VCF-style: chr11-108172486-TC-T.
Other names: NM_000051.4(ATM):c.5290del; p.Leu1764fs; c.5290delC (NM_000051.3, NM_000051.4); c.5290del, p.Leu1764fs (NM_001351834.2); short protein forms L1764fs.
Identifiers: ClinVar variation 127405 (VCV000127405.42), dbSNP rs587779846, ClinGen allele CA286887.